The following is an entry in ClinVar:

NM_000814.6(GABRB3):c.1225C>T (p.Arg409Ter)

Gene: GABRB3 (gamma-aminobutyric acid type A receptor subunit beta3; minus strand). Cytogenetic location: 15q12.
Variant type: single nucleotide variant.
Coding change: c.1225C>T on transcript NM_000814.6 (MANE Select); coding-DNA position 1225, C replaced by T.
Protein change: p.Arg409Ter; replaces arginine 409 with a stop codon.
Molecular consequence: nonsense.
Genome position (GRCh38, 1-based): chr15:26,547,990, G>A on the plus strand (C>T on the coding strand, the complement: GABRB3 is on the minus strand). VCF-style: chr15-26547990-G-A. GRCh37 (hg19) VCF-style: chr15-26793137-G-A.
Other names: c.970C>T, p.Arg324Ter (NM_001191320.2, NM_001278631.2); c.1012C>T, p.Arg338Ter (NM_001191321.3); c.1225C>T, p.Arg409Ter (NM_021912.5); short protein forms R409*, R324*, R338*.
Identifiers: ClinVar variation 488963 (VCV000488963.7), dbSNP rs1555400368, ClinGen allele CA391458889.
Genomic context (GRCh38, chr15:26,547,990, plus strand): 5'-GTAGATGGGTCTTCTTGTGCGGGAGGCTTCTGTCCCCCAGGAATCGCCCATGCCCTTCTC[G>A]AGGCATGCTCTGTTTCCTGTACTGGATTCCTGAGTTGTCAAAGGATATTGCTGAATTCCT-3'

ClinVar aggregate classification (germline): Uncertain significance. Review status: criteria provided, multiple submitters, no conflicts (2 of 4 stars). 2 submissions from 2 submitters: Uncertain significance (2). Last evaluated 2024-10-16.

Conditions:
Epilepsy, childhood absence, susceptibility to, 1. Also called: Epilepsy, childhood absence 1. Identifiers: Orphanet 64280, MedGen C1838604, MONDO:0020759, OMIM 600131.
Epilepsy, childhood absence, susceptibility to, 5. Identifiers: Orphanet 64280, MedGen C2677087, MONDO:0012843, OMIM 612269.

Submissions (2):

Labcorp Genetics (formerly Invitae), Labcorp
Classification: Uncertain significance for Epilepsy, childhood absence, susceptibility to, 5; Epilepsy, childhood absence, susceptibility to, 1. Last evaluated: 2024-10-16. Review status: criteria provided, single submitter. Criteria: Invitae Variant Classification Sherloc (09022015). Collection method: clinical testing. Allele origin: germline.
Comment: This sequence change creates a premature translational stop signal (p.Arg409*) in the GABRB3 gene. While this is not anticipated to result in nonsense mediated decay, it is expected to disrupt the last 65 amino acid(s) of the GABRB3 protein. This variant is not present in population databases (gnomAD no frequency). This variant has not been reported in the literature in individuals affected with GABRB3-related conditions. ClinVar contains an entry for this variant (Variation ID: 488963). Experimental studies and prediction algorithms are not available or were not evaluated, and the functional significance of this variant is currently unknown. In summary, the available evidence is currently insufficient to determine the role of this variant in disease. Therefore, it has been classified as a Variant of Uncertain Significance.

GeneDx
Classification: Uncertain significance. Last evaluated: 2020-11-09. Review status: criteria provided, single submitter. Criteria: GeneDx Variant Classification Process June 2021. Collection method: clinical testing. Allele origin: germline. Affected: yes.
Comment: Not observed in large population cohorts (Lek et al., 2016); Nonsense variant predicted to result in protein truncation as the last 65 amino acids are lost, although loss-of-function variants have not been reported downstream of this position in the protein; Has not been previously published as pathogenic or benign to our knowledge